The following is an entry in ClinVar:

ClinVar aggregate classification (germline): Uncertain significance (1 of 4 stars; one submission).

Conditions:
Neurofibromatosis, type 1 (NF1). Also called: Neurofibromatosis, type I; Peripheral type neurofibromatosis; VON RECKLINGHAUSEN DISEASE; NEUROFIBROMATOSIS, TYPE I, SOMATIC. Identifiers: Orphanet 636, MedGen C0027831, MONDO:0018975, OMIM 162200. Disease mechanism: loss of function.

Submission:

Labcorp Genetics (formerly Invitae), Labcorp
Classification: Uncertain significance for Neurofibromatosis, type 1. Last evaluated: 2023-07-10. Review status: criteria provided, single submitter. Criteria: Invitae Variant Classification Sherloc (09022015). Collection method: clinical testing. Allele origin: germline.
Comment: In summary, the available evidence is currently insufficient to determine the role of this variant in disease. Therefore, it has been classified as a Variant of Uncertain Significance. Advanced modeling of protein sequence and biophysical properties (such as structural, functional, and spatial information, amino acid conservation, physicochemical variation, residue mobility, and thermodynamic stability) has been performed at Invitae for this missense variant, however the output from this modeling did not meet the statistical confidence thresholds required to predict the impact of this variant on NF1 protein function. ClinVar contains an entry for this variant (Variation ID: 1516889). This variant has not been reported in the literature in individuals affected with NF1-related conditions. This variant is not present in population databases (gnomAD no frequency). This sequence change replaces threonine, which is neutral and polar, with isoleucine, which is neutral and non-polar, at codon 2175 of the NF1 protein (p.Thr2175Ile).

NM_001042492.3(NF1):c.6587C>T (p.Thr2196Ile)

Gene: NF1 (neurofibromin 1; plus strand). Cytogenetic location: 17q11.2.
Variant type: single nucleotide variant.
Coding change: c.6587C>T on transcript NM_001042492.3 (MANE Select); coding-DNA position 6587, C replaced by T.
Protein change: p.Thr2196Ile; replaces threonine 2196 with isoleucine.
Molecular consequence: missense variant.
Genome position (GRCh38, 1-based): chr17:31,337,527, C>T. VCF-style: chr17-31337527-C-T. GRCh37 (hg19) VCF-style: chr17-29664545-C-T.
Other names: c.6524C>T, p.Thr2175Ile (NM_000267.4); short protein forms T2175I, T2196I.
Identifiers: ClinVar variation 1516889 (VCV001516889.7), dbSNP rs2151556471, ClinGen allele CA399013338.